The following is an entry in ClinVar:

NM_032578.4(MYPN):c.3092C>G (p.Ser1031Cys)

Gene: MYPN (myopalladin; plus strand). Cytogenetic location: 10q21.3.
Variant type: single nucleotide variant.
Coding change: c.3092C>G on transcript NM_032578.4 (MANE Select); coding-DNA position 3092, C replaced by G.
Protein change: p.Ser1031Cys; replaces serine 1031 with cysteine.
Molecular consequence: missense variant. On other transcripts: non-coding transcript variant (2).
Genome position (GRCh38, 1-based): chr10:68,195,466, C>G. VCF-style: chr10-68195466-C-G. GRCh37 (hg19) VCF-style: chr10-69955223-C-G.
Other names: c.3092C>G, p.Ser1031Cys (NM_001256267.2); c.2210C>G, p.Ser737Cys (NM_001256268.2); short protein forms S1031C, S737C.
Identifiers: ClinVar variation 4614673 (VCV004614673.1).

ClinVar aggregate classification (germline): Uncertain significance (1 of 4 stars; one submission).

Conditions:
Cardiovascular phenotype. Identifiers: MedGen CN230736.

gnomAD v4.1: 3 of 1,613,952 alleles (0.00019%); highest among the groups gnomAD compares: Non-Finnish European, 0.00025%; no homozygotes.

Submission:

Ambry Genetics
Classification: Uncertain significance for Cardiovascular phenotype. Last evaluated: 2025-11-15. Review status: criteria provided, single submitter. Criteria: Ambry Variant Classification Scheme 2023. Collection method: clinical testing. Allele origin: germline.
Comment: The p.S1031C variant (also known as c.3092C>G), located in coding exon 14 of the MYPN gene, results from a C to G substitution at nucleotide position 3092. The serine at codon 1031 is replaced by cysteine, an amino acid with dissimilar properties. This amino acid position is conserved. In addition, this alteration is predicted to be deleterious by in silico analysis. Based on the available evidence, the clinical significance of this variant remains unclear.